The following is an entry in ClinVar:

NM_000213.5(ITGB4):c.3339G>A (p.Thr1113=)

Gene: ITGB4 (integrin subunit beta 4; plus strand). Cytogenetic location: 17q25.1.
Variant type: single nucleotide variant.
Coding change: c.3339G>A on transcript NM_000213.5 (MANE Select); coding-DNA position 3339, G replaced by A.
Protein change: p.Thr1113=; no amino-acid change (threonine 1113 retained).
Molecular consequence: synonymous variant.
Genome position (GRCh38, 1-based): chr17:75,750,133, G>A. VCF-style: chr17-75750133-G-A. GRCh37 (hg19) VCF-style: chr17-73746214-G-A.
Other names: c.3339G>A, p.Thr1113= (NM_001005619.2, NM_001005731.3, NM_001321123.2).
Identifiers: ClinVar variation 2895948 (VCV002895948.4), dbSNP rs760575008, ClinGen allele CA8769801.

ClinVar aggregate classification (germline): Likely benign. Review status: criteria provided, multiple submitters, no conflicts (2 of 4 stars). 2 submissions from 2 submitters: Likely benign (2). Last evaluated 2026-08-01.

Allele frequency attached by ClinVar (database versions not stated): gnomAD 0.00001; TOPMed 0.00002.
gnomAD v4.1: 48 of 1,613,594 alleles (0.003%); highest among the groups gnomAD compares: Middle Eastern, 0.033%; no homozygotes.

Submissions (2):

CeGaT Center for Human Genetics Tuebingen
Classification: Likely benign. Last evaluated: 2026-08-01. Review status: criteria provided, single submitter. Criteria: CeGaT Center For Human Genetics Tuebingen Variant Classification Criteria Version 2. Collection method: clinical testing. Allele origin: germline. Affected: yes. Observed: 1 variant allele.
Comment: ITGB4: BP4, BP7

Labcorp Genetics (formerly Invitae), Labcorp
Classification: Likely benign. Last evaluated: 2024-03-25. Review status: criteria provided, single submitter. Criteria: Invitae Variant Classification Sherloc (09022015). Collection method: clinical testing. Allele origin: germline.